The following is an entry in ClinVar:

ClinVar aggregate classification (germline): Uncertain significance. Review status: criteria provided, multiple submitters, no conflicts (2 of 4 stars). 2 submissions from 2 submitters: Uncertain significance (2). Last evaluated 2022-03-12.

Conditions:
Neonatal-onset encephalopathy with rigidity and seizures. Also called: Lethal neonatal spasticity-epileptic encephalopathy syndrome. Identifiers: Orphanet 435845, MedGen C3281029, MONDO:0013784, OMIM 614498.

Allele frequency attached by ClinVar (database versions not stated): gnomAD 0.00002.
gnomAD v4.1: 7 of 1,566,948 alleles (0.00045%); highest among the groups gnomAD compares: African/African-American, 0.0098%; no homozygotes.

Submissions (2):

Labcorp Genetics (formerly Invitae), Labcorp
Classification: Uncertain significance for Neonatal-onset encephalopathy with rigidity and seizures. Last evaluated: 2022-03-12. Review status: criteria provided, single submitter. Criteria: Invitae Variant Classification Sherloc (09022015). Collection method: clinical testing. Allele origin: germline.
Comment: This sequence change replaces alanine, which is neutral and non-polar, with threonine, which is neutral and polar, at codon 451 of the BRAT1 protein (p.Ala451Thr). The frequency data for this variant in the population databases is considered unreliable, as metrics indicate poor data quality at this position in the gnomAD database. This variant has not been reported in the literature in individuals affected with BRAT1-related conditions. Algorithms developed to predict the effect of missense changes on protein structure and function (SIFT, PolyPhen-2, Align-GVGD) all suggest that this variant is likely to be tolerated. In summary, the available evidence is currently insufficient to determine the role of this variant in disease. Therefore, it has been classified as a Variant of Uncertain Significance.

GeneDx
Classification: Uncertain significance. Last evaluated: 2022-02-28. Review status: criteria provided, single submitter. Criteria: GeneDx Variant Classification Process June 2021. Collection method: clinical testing. Allele origin: germline. Affected: yes.
Comment: Not observed at significant frequency in large population cohorts (gnomAD); In silico analysis supports that this missense variant does not alter protein structure/function; Has not been previously published as pathogenic or benign to our knowledge

NM_152743.4(BRAT1):c.1351G>A (p.Ala451Thr)

Gene: BRAT1 (BRCA1 associated ATM activator 1; minus strand). Cytogenetic location: 7p22.3.
Variant type: single nucleotide variant.
Coding change: c.1351G>A on transcript NM_152743.4 (MANE Select); coding-DNA position 1351, G replaced by A.
Protein change: p.Ala451Thr; replaces alanine 451 with threonine.
Molecular consequence: missense variant. On other transcripts: non-coding transcript variant (1).
Genome position (GRCh38, 1-based): chr7:2,541,023, C>T on the plus strand (G>A on the coding strand, the complement: BRAT1 is on the minus strand). VCF-style: chr7-2541023-C-T. GRCh37 (hg19) VCF-style: chr7-2580657-C-T.
Other names: c.1351G>A, p.Ala451Thr (NM_001350626.2); c.826G>A, p.Ala276Thr (NM_001350627.2); short protein forms A276T, A451T.
Identifiers: ClinVar variation 1515419 (VCV001515419.6), dbSNP rs138276986, ClinGen allele CA366628740.